The following is an entry in ClinVar:

NM_145290.4(ADGRA3):c.223C>T (p.Pro75Ser)

Gene: ADGRA3 (adhesion G protein-coupled receptor A3; minus strand). Cytogenetic location: 4p15.2.
Variant type: single nucleotide variant.
Coding change: c.223C>T on transcript NM_145290.4 (MANE Select); coding-DNA position 223, C replaced by T.
Protein change: p.Pro75Ser; replaces proline 75 with serine.
Molecular consequence: missense variant.
Genome position (GRCh38, 1-based): chr4:22,515,562, G>A on the plus strand (C>T on the coding strand, the complement: ADGRA3 is on the minus strand). VCF-style: chr4-22515562-G-A. GRCh37 (hg19) VCF-style: chr4-22517185-G-A.
Other names: c.223C>T (NM_145290.2); short protein forms P75S.
Identifiers: ClinVar variation 1027131 (VCV001027131.9), dbSNP rs374728383, ClinGen allele CA2874377.

ClinVar aggregate classification (germline): Uncertain significance. Review status: criteria provided, multiple submitters, no conflicts (2 of 4 stars). 2 submissions from 2 submitters: Uncertain significance (2). Last evaluated 2025-09-28.

Allele frequency attached by ClinVar (database versions not stated): ExAC 0.00001; gnomAD exomes 0.00002; gnomAD 0.00003; TOPMed 0.00004; ESP Exome Variant Server 0.00015.
gnomAD v4.1: 59 of 1,604,204 alleles (0.0037%); highest among the groups gnomAD compares: Non-Finnish European, 0.005%; no homozygotes.

Submissions (2):

Ambry Genetics
Classification: Uncertain significance. Last evaluated: 2025-09-28. Review status: criteria provided, single submitter. Criteria: Ambry Variant Classification Scheme 2023. Collection method: clinical testing. Allele origin: germline.

Labcorp Genetics (formerly Invitae), Labcorp
Classification: Uncertain significance. Last evaluated: 2025-03-17. Review status: criteria provided, single submitter. Criteria: Invitae Variant Classification Sherloc (09022015). Collection method: clinical testing. Allele origin: germline.
Comment: This sequence change replaces proline, which is neutral and non-polar, with serine, which is neutral and polar, at codon 75 of the ADGRA3 protein (p.Pro75Ser). This variant is present in population databases (rs374728383, gnomAD 0.005%). This variant has not been reported in the literature in individuals affected with ADGRA3-related conditions. ClinVar contains an entry for this variant (Variation ID: 1027131). An algorithm developed to predict the effect of missense changes on protein structure and function (PolyPhen-2) suggests that this variant is likely to be tolerated. In summary, the available evidence is currently insufficient to determine the role of this variant in disease. Therefore, it has been classified as a Variant of Uncertain Significance.